The following is an entry in ClinVar:

NM_001999.4(FBN2):c.812C>G (p.Thr271Ser)

Gene: FBN2 (fibrillin 2; minus strand). Cytogenetic location: 5q23.3.
Variant type: single nucleotide variant.
Coding change: c.812C>G on transcript NM_001999.4 (MANE Select); coding-DNA position 812, C replaced by G.
Protein change: p.Thr271Ser; replaces threonine 271 with serine.
Molecular consequence: missense variant.
Genome position (GRCh38, 1-based): chr5:128,464,738, G>C on the plus strand (C>G on the coding strand, the complement: FBN2 is on the minus strand). VCF-style: chr5-128464738-G-C. GRCh37 (hg19) VCF-style: chr5-127800431-G-C.
Other names: short protein forms T271S.
Identifiers: ClinVar variation 1396167 (VCV001396167.6), dbSNP rs1754660014, ClinGen allele CA360754673.

ClinVar aggregate classification (germline): Uncertain significance (1 of 4 stars; one submission).

Conditions:
Congenital contractural arachnodactyly (CCA). Also called: BEALS SYNDROME; Beals-Hecht syndrome; Arthrogryposis, distal, type 9. Identifiers: Orphanet 115, MedGen C0220668, MONDO:0007363, OMIM 121050.

Allele frequency attached by ClinVar (database versions not stated): gnomAD exomes below 0.00001; TOPMed below 0.00001.
gnomAD v4.1: 1 of 1,613,616 alleles (0.000062%); highest among the groups gnomAD compares: Non-Finnish European, 0.000085%; no homozygotes.

Submission:

Labcorp Genetics (formerly Invitae), Labcorp
Classification: Uncertain significance for Congenital contractural arachnodactyly. Last evaluated: 2024-10-28. Review status: criteria provided, single submitter. Criteria: Invitae Variant Classification Sherloc (09022015). Collection method: clinical testing. Allele origin: germline.
Comment: This sequence change replaces threonine, which is neutral and polar, with serine, which is neutral and polar, at codon 271 of the FBN2 protein (p.Thr271Ser). This variant is not present in population databases (gnomAD no frequency). This variant has not been reported in the literature in individuals affected with FBN2-related conditions. ClinVar contains an entry for this variant (Variation ID: 1396167). Invitae Evidence Modeling of protein sequence and biophysical properties (such as structural, functional, and spatial information, amino acid conservation, physicochemical variation, residue mobility, and thermodynamic stability) indicates that this missense variant is not expected to disrupt FBN2 protein function with a negative predictive value of 95%. In summary, the available evidence is currently insufficient to determine the role of this variant in disease. Therefore, it has been classified as a Variant of Uncertain Significance.